The following is an entry in ClinVar:

ClinVar aggregate classification (germline): Uncertain significance. Review status: criteria provided, multiple submitters, no conflicts (2 of 4 stars). 2 submissions from 2 submitters: Uncertain significance (2). Last evaluated 2025-04-03.

Conditions:
Inborn genetic diseases. Identifiers: MedGen C0950123, MeSH D030342.
Joubert syndrome 14 (JBTS14). Identifiers: MedGen C3280766, MONDO:0013745, OMIM 614424.

Allele frequency attached by ClinVar (database versions not stated): gnomAD exomes below 0.00001 and 0.00001; gnomAD 0.00001; ExAC 0.00002.
gnomAD v4.1: 5 of 1,613,632 alleles (0.00031%); highest among the groups gnomAD compares: Middle Eastern, 0.033%; no homozygotes.

Submissions (2):

Ambry Genetics
Classification: Uncertain significance for Inborn genetic diseases. Last evaluated: 2025-04-03. Review status: criteria provided, single submitter. Criteria: Ambry Variant Classification Scheme 2023. Collection method: clinical testing. Allele origin: germline.

Labcorp Genetics (formerly Invitae), Labcorp
Classification: Uncertain significance for Joubert syndrome 14. Last evaluated: 2024-01-31. Review status: criteria provided, single submitter. Criteria: Invitae Variant Classification Sherloc (09022015). Collection method: clinical testing. Allele origin: germline.
Comment: This sequence change replaces methionine, which is neutral and non-polar, with threonine, which is neutral and polar, at codon 206 of the TMEM237 protein (p.Met206Thr). This variant is present in population databases (rs773685442, gnomAD no frequency). This variant has not been reported in the literature in individuals affected with TMEM237-related conditions. ClinVar contains an entry for this variant (Variation ID: 841260). Advanced modeling of protein sequence and biophysical properties (such as structural, functional, and spatial information, amino acid conservation, physicochemical variation, residue mobility, and thermodynamic stability) performed at Invitae indicates that this missense variant is not expected to disrupt TMEM237 protein function with a negative predictive value of 80%. In summary, the available evidence is currently insufficient to determine the role of this variant in disease. Therefore, it has been classified as a Variant of Uncertain Significance.

NM_001044385.3(TMEM237):c.617T>C (p.Met206Thr)

Gene: TMEM237 (transmembrane protein 237; minus strand). Cytogenetic location: 2q33.1.
Variant type: single nucleotide variant.
Coding change: c.617T>C on transcript NM_001044385.3 (MANE Select); coding-DNA position 617, T replaced by C.
Protein change: p.Met206Thr; replaces methionine 206 with threonine.
Molecular consequence: missense variant.
Genome position (GRCh38, 1-based): chr2:201,629,789, A>G on the plus strand (T>C on the coding strand, the complement: TMEM237 is on the minus strand). VCF-style: chr2-201629789-A-G. GRCh37 (hg19) VCF-style: chr2-202494512-A-G.
Other names: c.617T>C (NM_001044385.1); c.593T>C, p.Met198Thr (NM_152388.4); short protein forms M206T, M198T.
Identifiers: ClinVar variation 841260 (VCV000841260.8), dbSNP rs773685442, ClinGen allele CA2056432.